The following is an entry in ClinVar:

NM_002471.4(MYH6):c.3522G>T (p.Gln1174His)

Gene: MYH6 (myosin heavy chain 6; minus strand). Cytogenetic location: 14q11.2.
Variant type: single nucleotide variant.
Coding change: c.3522G>T on transcript NM_002471.4 (MANE Select); coding-DNA position 3522, G replaced by T.
Protein change: p.Gln1174His; replaces glutamine 1174 with histidine.
Molecular consequence: missense variant.
Genome position (GRCh38, 1-based): chr14:23,390,267, C>A on the plus strand (G>T on the coding strand, the complement: MYH6 is on the minus strand). VCF-style: chr14-23390267-C-A. GRCh37 (hg19) VCF-style: chr14-23859476-C-A.
Other names: short protein forms Q1174H.
Identifiers: ClinVar variation 2556253 (VCV002556253.3), dbSNP rs1348490042, ClinGen allele CA389006129.

ClinVar aggregate classification (germline): Uncertain significance. Review status: criteria provided, multiple submitters, no conflicts (2 of 4 stars). 2 submissions from 2 submitters: Uncertain significance (2). Last evaluated 2024-03-01.

Conditions:
Cardiovascular phenotype. Identifiers: MedGen CN230736.

Allele frequency attached by ClinVar (database versions not stated): gnomAD exomes below 0.00001.
gnomAD v4.1: 2 of 1,592,390 alleles (0.00013%); highest among the groups gnomAD compares: Non-Finnish European, 0.00017%; no homozygotes.

Submissions (2):

GeneDx
Classification: Uncertain significance. Last evaluated: 2024-03-01. Review status: criteria provided, single submitter. Criteria: GeneDx Variant Classification Process June 2021. Collection method: clinical testing. Allele origin: germline. Affected: yes.
Comment: Not observed at significant frequency in large population cohorts (gnomAD); In silico analysis supports that this missense variant has a deleterious effect on protein structure/function; Has not been previously published as pathogenic or benign to our knowledge

Ambry Genetics
Classification: Uncertain significance for Cardiovascular phenotype. Last evaluated: 2023-06-02. Review status: criteria provided, single submitter. Criteria: Ambry Variant Classification Scheme 2023. Collection method: clinical testing. Allele origin: germline.